The following is an entry in ClinVar:

ClinVar aggregate classification (germline): Likely benign. Review status: criteria provided, multiple submitters, no conflicts (2 of 4 stars). 3 submissions from 3 submitters: Likely benign (2). 1 of the submissions does not count toward it. Last evaluated 2026-01-29.

Conditions:
Glutaric aciduria, type 1. Also called: Glutaricacidemia Type 1; Glutaricaciduria, type I; Glutaric Acidemia Type 1; GA I; Glutaric acidemia type I; Glutaryl-CoA dehydrogenase deficiency. Identifiers: Orphanet 25, MedGen C0268595, MONDO:0009281, OMIM 231670.
GCDH-related disorder. Also called: GCDH-related condition.
Inborn genetic diseases. Identifiers: MedGen C0950123, MeSH D030342.

Allele frequency attached by ClinVar (database versions not stated): TOPMed 0.00003.
gnomAD v4.1: 15 of 1,614,030 alleles (0.00093%); highest among the groups gnomAD compares: Admixed American, 0.017%; no homozygotes.

Submissions (3):

Labcorp Genetics (formerly Invitae), Labcorp
Classification: Likely benign for Glutaric aciduria, type 1. Last evaluated: 2026-01-29. Review status: criteria provided, single submitter. Criteria: Invitae Variant Classification Sherloc (09022015). Collection method: clinical testing. Allele origin: germline.

Ambry Genetics
Classification: Likely benign for Inborn genetic diseases. Last evaluated: 2020-09-24. Review status: criteria provided, single submitter. Criteria: Ambry Variant Classification Scheme 2023. Collection method: clinical testing. Allele origin: germline.

PreventionGenetics, part of Exact Sciences
Classification: Likely benign for GCDH-related condition. Last evaluated: 2023-01-04. Review status: no assertion criteria provided. Collection method: clinical testing. Allele origin: germline. Not counted in ClinVar's aggregate classification.
Comment: This variant is classified as likely benign based on ACMG/AMP sequence variant interpretation guidelines (Richards et al. 2015 PMID: 25741868, with internal and published modifications).

NM_000159.4(GCDH):c.1287G>T (p.Thr429=)

Genes: SYCE2 (synaptonemal complex central element protein 2; minus strand), GCDH (glutaryl-CoA dehydrogenase; plus strand), LOC126862860 (BRD4-independent group 4 enhancer GRCh37_chr19:13010146-13011345; plus strand). Cytogenetic location: 19p13.13.
Variant type: single nucleotide variant.
Coding change: c.1287G>T on transcript NM_000159.4 (MANE Select); coding-DNA position 1287, G replaced by T.
Protein change: p.Thr429=; no amino-acid change (threonine 429 retained).
Molecular consequence: synonymous variant. On other transcripts: non-coding transcript variant (2), intron variant (2).
Genome position (GRCh38, 1-based): chr19:12,899,511, G>T. VCF-style: chr19-12899511-G-T. GRCh37 (hg19) VCF-style: chr19-13010325-G-T.
Other names: c.1244-189G>T (NM_013976.5); c.613-126C>A (NM_001105578.2).
Identifiers: ClinVar variation 731990 (VCV000731990.15), dbSNP rs141819282, ClinGen allele CA305500985.